The following is an entry in ClinVar:

ClinVar aggregate classification (germline): Likely benign. Review status: criteria provided, multiple submitters, no conflicts (2 of 4 stars). 3 submissions from 3 submitters: Likely benign (3). Last evaluated 2025-11-09.

Conditions:
Hereditary cancer-predisposing syndrome. Also called: Hereditary Cancer Syndrome; Tumor predisposition; Neoplastic Syndromes, Hereditary; Hereditary neoplastic syndrome. Identifiers: Orphanet 140162, MedGen C0027672, MeSH D009386, MONDO:0015356.
Familial cancer of breast. Also called: BREAST CANCER, FAMILIAL; Hereditary breast cancer; hereditary breast carcinoma. Identifiers: Orphanet 227535, MedGen C0346153, MONDO:0016419, OMIM 114480. Disease mechanism: loss of function.
Fanconi anemia complementation group J. Also called: BRIP1-Related Fanconi Anemia. Identifiers: Orphanet 84, MedGen C1836860, MONDO:0012187, OMIM 609054.

Allele frequency attached by ClinVar (database versions not stated): TOPMed below 0.00001; ExAC 0.00001.
gnomAD v4.1: 4 of 1,558,500 alleles (0.00026%); highest among the groups gnomAD compares: East Asian, 0.0067%; no homozygotes.

Submissions (3):

Labcorp Genetics (formerly Invitae), Labcorp
Classification: Likely benign for Familial cancer of breast; Fanconi anemia complementation group J. Last evaluated: 2025-11-09. Review status: criteria provided, single submitter. Criteria: Invitae Variant Classification Sherloc (09022015). Collection method: clinical testing. Allele origin: germline.

GeneDx
Classification: Likely benign. Last evaluated: 2017-12-20. Review status: criteria provided, single submitter. Criteria: GeneDx Variant Classification (06012015). Collection method: clinical testing. Allele origin: germline. Affected: yes.
Comment: This variant is considered likely benign or benign based on one or more of the following criteria: it is a conservative change, it occurs at a poorly conserved position in the protein, it is predicted to be benign by multiple in silico algorithms, and/or has population frequency not consistent with disease.

Color Diagnostics, LLC DBA Color Health
Classification: Likely benign for Hereditary cancer-predisposing syndrome. Last evaluated: 2017-01-12. Review status: criteria provided, single submitter. Criteria: ACMG Guidelines, 2015. Collection method: clinical testing. Allele origin: germline.

NM_032043.3(BRIP1):c.93+17A>G

Gene: BRIP1 (BRCA1 interacting DNA helicase 1; minus strand). Cytogenetic location: 17q23.2.
Variant type: single nucleotide variant.
Coding change: c.93+17A>G on transcript NM_032043.3 (MANE Select); 17 bases into the intron after coding-DNA position 93, A replaced by G.
Molecular consequence: intron variant.
Genome position (GRCh38, 1-based): chr17:61,861,430, T>C on the plus strand (A>G on the coding strand, the complement: BRIP1 is on the minus strand). VCF-style: chr17-61861430-T-C. GRCh37 (hg19) VCF-style: chr17-59938791-T-C.
Identifiers: ClinVar variation 514339 (VCV000514339.12), dbSNP rs778826728, ClinGen allele CA8691010.